The following is an entry in ClinVar:

ClinVar aggregate classification (germline): Uncertain significance (1 of 4 stars; one submission).

Allele frequency attached by ClinVar (database versions not stated): gnomAD exomes 0.00001; ExAC 0.00003.
gnomAD v4.1: 9 of 1,601,704 alleles (0.00056%); highest among the groups gnomAD compares: South Asian, 0.0079%; no homozygotes.

Submission:

Labcorp Genetics (formerly Invitae), Labcorp
Classification: Uncertain significance. Last evaluated: 2021-01-02. Review status: criteria provided, single submitter. Criteria: Invitae Variant Classification Sherloc (09022015). Collection method: clinical testing. Allele origin: germline.
Comment: Algorithms developed to predict the effect of missense changes on protein structure and function are either unavailable or do not agree on the potential impact of this missense change (SIFT: "Deleterious"; PolyPhen-2: "Not Available"; Align-GVGD: "Class C65"). In summary, the available evidence is currently insufficient to determine the role of this variant in disease. Therefore, it has been classified as a Variant of Uncertain Significance. Algorithms developed to predict the effect of sequence changes on RNA splicing suggest that this variant may create or strengthen a splice site, but this prediction has not been confirmed by published transcriptional studies. This variant has not been reported in the literature in individuals with GPX4-related conditions. This variant is present in population databases (rs748758139, ExAC 0.009%). This sequence change replaces glycine with arginine at codon 174 of the GPX4 protein (p.Gly174Arg). The glycine residue is highly conserved and there is a moderate physicochemical difference between glycine and arginine.

NM_002085.5(GPX4):c.409G>A (p.Gly137Arg)

Gene: GPX4 (glutathione peroxidase 4; plus strand). Cytogenetic location: 19p13.3.
Variant type: single nucleotide variant.
Coding change: c.409G>A on transcript NM_002085.5 (MANE Select); coding-DNA position 409, G replaced by A.
Protein change: p.Gly137Arg; replaces glycine 137 with arginine.
Molecular consequence: missense variant.
Genome position (GRCh38, 1-based): chr19:1,105,742, G>A. VCF-style: chr19-1105742-G-A. GRCh37 (hg19) VCF-style: chr19-1105741-G-A.
Other names: c.409G>A, p.Gly137Arg (NM_001039847.3); c.520G>A, p.Gly174Arg (NM_001039848.4); c.328G>A, p.Gly110Arg (NM_001367832.1); short protein forms G174R, G137R, G110R.
Identifiers: ClinVar variation 1490754 (VCV001490754.6), dbSNP rs748758139, ClinGen allele CA9037348.
Genomic context (GRCh38, chr19:1,105,742, plus strand): 5'-AAAGAGTTCGCCGCGGGCTACAACGTCAAATTCGATATGTTCAGCAAGATCTGCGTGAAC[G>A]GGGACGACGCCCACCCGCTGTGGAAGTGGATGAAGATCCAACCCAAGGGCAAGGGCATCC-3'
Protein context (NP_002076.2, residues 127-147): FDMFSKICVN[Gly137Arg]DDAHPLWKWM